The following is an entry in ClinVar:

NC_000010.11:g.(?_86668692)_(86954160_?)del

Genes: BMPR1A (bone morphogenetic protein receptor type 1A; plus strand), LDB3 (LIM domain binding 3; plus strand), MMRN2 (multimerin 2; minus strand). Cytogenetic location: 10q23.2.
Variant type: Deletion.
Identifiers: ClinVar variation 832888 (VCV000832888.1).

ClinVar aggregate classification (germline): Pathogenic (1 of 4 stars; one submission).

Conditions:
Generalized juvenile polyposis/juvenile polyposis coli. Also called: Juvenile polyposis coli. Identifiers: Orphanet 329971, MedGen C1868081, MONDO:0008276.

Submission:

Labcorp Genetics (formerly Invitae), Labcorp
Classification: Pathogenic for Juvenile polyposis syndrome. Last evaluated: 2019-10-04. Review status: criteria provided, single submitter. Criteria: Invitae Variant Classification Sherloc (09022015). Collection method: clinical testing. Allele origin: germline.
Comment: A gross deletion of the genomic region encompassing the full coding sequence of the BMPR1A gene has been identified. The boundaries of this event are unknown as the deletion extends beyond the assayed region for this gene and therefore may encompass additional genes. A similar whole gene deletion of BMPR1A has been observed in an individual with juvenile polyposis (PMID: 23399955). Additionally, larger deletions within chromosome 10q have also been reported (PMID: 16685657, 16287957, 18510548). Loss-of-function variants in BMPR1A are known to be pathogenic (PMID: 11536076, 12417513). For these reasons, this variant has been classified as Pathogenic.

Literature cited by the submitters: PubMed 23399955; PubMed 18510548; PubMed 16287957; PubMed 16685657.